The following is an entry in ClinVar:

ClinVar aggregate classification (germline): Uncertain significance (1 of 4 stars; one submission).

Conditions:
Shprintzen-Goldberg syndrome (SGS). Also called: SHPRINTZEN-GOLDBERG CRANIOSYNOSTOSIS SYNDROME; CRANIOSYNOSTOSIS WITH ARACHNODACTYLY AND ABDOMINAL HERNIAS; Marfanoid disorder with craniosynostosis type 1; Marfanoid craniosynostosis syndrome; Shprintzen-Goldberg marfanoid syndrome. Identifiers: Orphanet 2462, MedGen C1321551, MONDO:0008426, OMIM 182212.

Submission:

Labcorp Genetics (formerly Invitae), Labcorp
Classification: Uncertain significance for Shprintzen-Goldberg syndrome. Last evaluated: 2018-11-22. Review status: criteria provided, single submitter. Criteria: Invitae Variant Classification Sherloc (09022015). Collection method: clinical testing. Allele origin: germline.
Comment: This sequence change replaces arginine with cysteine at codon 120 of the SKI protein (p.Arg120Cys). The arginine residue is highly conserved and there is a large physicochemical difference between arginine and cysteine. This variant is not present in population databases (ExAC no frequency). This variant has not been reported in the literature in individuals with SKI-related conditions. Algorithms developed to predict the effect of missense changes on protein structure and function are either unavailable or do not agree on the potential impact of this missense change (SIFT: "Deleterious"; PolyPhen-2: "Probably Damaging"; Align-GVGD: "Class C0"). In summary, the available evidence is currently insufficient to determine the role of this variant in disease. Therefore, it has been classified as a Variant of Uncertain Significance.

NM_003036.4(SKI):c.358C>T (p.Arg120Cys)

Gene: SKI (SKI proto-oncogene; plus strand). Cytogenetic location: 1p36.33.
Variant type: single nucleotide variant.
Coding change: c.358C>T on transcript NM_003036.4 (MANE Select); coding-DNA position 358, C replaced by T.
Protein change: p.Arg120Cys; replaces arginine 120 with cysteine.
Molecular consequence: missense variant.
Genome position (GRCh38, 1-based): chr1:2,229,124, C>T. VCF-style: chr1-2229124-C-T. GRCh37 (hg19) VCF-style: chr1-2160563-C-T.
Other names: short protein forms R120C.
Identifiers: ClinVar variation 652601 (VCV000652601.8), dbSNP rs1569658411, ClinGen allele CA337952834.
Genomic context (GRCh38, chr1:2,229,124, plus strand): 5'-CGCTGCGAGACCGTACTGGAAGGCGAGACCATCTCGTGCTTCGTGGTGGGAGGCGAGAAG[C>T]GCCTGTGTCTGCCGCAGATTCTCAACTCGGTGCTGCGCGACTTCTCGCTGCAGCAGATCA-3'
Protein context (NP_003027.1, residues 110-130): ISCFVVGGEK[Arg120Cys]LCLPQILNSV